The following is an entry in ClinVar:

NM_001374828.1(ARID1B):c.1108C>T (p.His370Tyr)

Gene: ARID1B (AT-rich interaction domain 1B; plus strand). Cytogenetic location: 6q25.3.
Variant type: single nucleotide variant.
Coding change: c.1108C>T on transcript NM_001374828.1 (MANE Select); coding-DNA position 1108, C replaced by T.
Protein change: p.His370Tyr; replaces histidine 370 with tyrosine.
Molecular consequence: missense variant.
Genome position (GRCh38, 1-based): chr6:156,778,788, C>T. VCF-style: chr6-156778788-C-T. GRCh37 (hg19) VCF-style: chr6-157099922-C-T.
Other names: c.859C>T, p.His287Tyr (NM_001346813.1, NM_020732.3); c.1108C>T, p.His370Tyr (NM_001371656.1, NM_001374820.1, NM_017519.3); c.685C>T, p.His229Tyr (NM_175863.2); short protein forms H229Y, H287Y, H370Y.
Identifiers: ClinVar variation 2058780 (VCV002058780.5), dbSNP rs920460734, ClinGen allele CA150802757.

ClinVar aggregate classification (germline): Uncertain significance. Review status: criteria provided, multiple submitters, no conflicts (2 of 4 stars). 2 submissions from 2 submitters: Uncertain significance (2). Last evaluated 2026-07-20.

Conditions:
Inborn genetic diseases. Identifiers: MedGen C0950123, MeSH D030342.

Allele frequency attached by ClinVar (database versions not stated): gnomAD exomes 0.00003; gnomAD 0.00002.
gnomAD v4.1: 43 of 1,509,098 alleles (0.0028%); highest among the groups gnomAD compares: Non-Finnish European, 0.0037%; no homozygotes.

Submissions (2):

Ambry Genetics
Classification: Uncertain significance for Inborn genetic diseases. Last evaluated: 2026-07-20. Review status: criteria provided, single submitter. Criteria: Ambry Variant Classification Scheme 2023. Collection method: clinical testing. Allele origin: germline.

Labcorp Genetics (formerly Invitae), Labcorp
Classification: Uncertain significance. Last evaluated: 2025-11-21. Review status: criteria provided, single submitter. Criteria: Invitae Variant Classification Sherloc (09022015). Collection method: clinical testing. Allele origin: germline.
Comment: This sequence change replaces histidine, which is basic and polar, with tyrosine, which is neutral and polar, at codon 370 of the ARID1B protein (p.His370Tyr). This variant is not present in population databases (gnomAD no frequency). This variant has not been reported in the literature in individuals affected with ARID1B-related conditions. ClinVar contains an entry for this variant (Variation ID: 2058780). Invitae Evidence Modeling of protein sequence and biophysical properties (such as structural, functional, and spatial information, amino acid conservation, physicochemical variation, residue mobility, and thermodynamic stability) indicates that this missense variant is not expected to disrupt ARID1B protein function with a negative predictive value of 95%. In summary, the available evidence is currently insufficient to determine the role of this variant in disease. Therefore, it has been classified as a Variant of Uncertain Significance.